The following is an entry in ClinVar:

ClinVar aggregate classification (germline): Uncertain significance (1 of 4 stars; one submission).

gnomAD v4.1: 1 of 1,613,806 alleles (0.000062%); highest among the groups gnomAD compares: Non-Finnish European, 0.000085%; no homozygotes.

Submission:

Labcorp Genetics (formerly Invitae), Labcorp
Classification: Uncertain significance. Last evaluated: 2026-01-06. Review status: criteria provided, single submitter. Criteria: Invitae Variant Classification Sherloc (09022015). Collection method: clinical testing. Allele origin: germline.
Comment: This sequence change replaces proline, which is neutral and non-polar, with leucine, which is neutral and non-polar, at codon 2451 of the ACAN protein (p.Pro2451Leu). This variant is present in population databases (rs764690562, gnomAD 0.0009%). This variant has not been reported in the literature in individuals affected with ACAN-related conditions. An algorithm developed to predict the effect of missense changes on protein structure and function (PolyPhen-2) suggests that this variant is likely to be disruptive. In summary, the available evidence is currently insufficient to determine the role of this variant in disease. Therefore, it has been classified as a Variant of Uncertain Significance.

NM_001369268.1(ACAN):c.7466C>T (p.Pro2489Leu)

Gene: ACAN (aggrecan; plus strand). Cytogenetic location: 15q26.1.
Variant type: single nucleotide variant.
Coding change: c.7466C>T on transcript NM_001369268.1 (MANE Select); coding-DNA position 7466, C replaced by T.
Protein change: p.Pro2489Leu; replaces proline 2489 with leucine.
Molecular consequence: missense variant. On other transcripts: intron variant (1).
Genome position (GRCh38, 1-based): chr15:88,873,860, C>T. VCF-style: chr15-88873860-C-T. GRCh37 (hg19) VCF-style: chr15-89417091-C-T.
Other names: c.7238C>T, p.Pro2413Leu (NM_001411096.1); c.7352C>T, p.Pro2451Leu (NM_001411097.1, NM_013227.4); c.7220-545C>T (NM_001135.4); short protein forms P2489L, P2413L, P2451L.
Identifiers: ClinVar variation 4777096 (VCV004777096.1).
Genomic context (GRCh38, chr15:88,873,860, plus strand): 5'-GAGACCCTATGAGACCCTTTATAAAGGGTGTTTGCCCCTCAGTGGCCTGCGGAGAGCCCC[C>T]TGTGGTGGAGCATGCCAGGACCTTCGGGCAGAAGAAGGACCGGTATGAGATCAATTCCCT-3'
Protein context (NP_001356197.1, residues 2479-2499): KKGTVACGEP[Pro2489Leu]VVEHARTFGQ